The following is an entry in ClinVar:

NM_002473.6(MYH9):c.5766-5C>T

Gene: MYH9 (myosin heavy chain 9; minus strand). Cytogenetic location: 22q12.3.
Variant type: single nucleotide variant.
Coding change: c.5766-5C>T on transcript NM_002473.6 (MANE Select); 5 bases into the intron before coding-DNA position 5766, C replaced by T.
Molecular consequence: intron variant.
Genome position (GRCh38, 1-based): chr22:36,282,790, G>A on the plus strand (C>T on the coding strand, the complement: MYH9 is on the minus strand). VCF-style: chr22-36282790-G-A. GRCh37 (hg19) VCF-style: chr22-36678836-G-A.
Identifiers: ClinVar variation 258760 (VCV000258760.14), dbSNP rs746967490, ClinGen allele CA10208911.
Genomic context (GRCh38, chr22:36,282,790, plus strand): 5'-CCCCGGCGCCTTTCCGGGCCATTCGGCGGGGCACGACAAACGGCAGGTCCCCGCGCCTGG[G>A]GGCAGAGGTAGAAGCAGAGGGTCAGCGGGCCCGGCCAGGCCAGGGGCGGCCACAGCACAG-3'

ClinVar aggregate classification (germline): Conflicting classifications of pathogenicity. Review status: criteria provided, conflicting classifications (1 of 4 stars). 5 submissions from 4 submitters: Uncertain significance (1); Benign (1); Likely benign (3). Last evaluated 2025-07-03.

Conditions:
MYH9-related disorder. Identifiers: MedGen C1854520.
Autosomal dominant nonsyndromic hearing loss 17. Also called: Deafness, autosomal dominant 17; Autosomal dominant nonsyndromic deafness 17. Identifiers: Orphanet 90635, MedGen C1863659, MONDO:0011350, OMIM 603622.

Allele frequency attached by ClinVar (database versions not stated): gnomAD 0.00001; gnomAD exomes 0.00011 and 0.00002; TOPMed 0.00002; ExAC 0.00003.
gnomAD v4.1: 154 of 1,607,820 alleles (0.0096%); highest among the groups gnomAD compares: Non-Finnish European, 0.013%; no homozygotes.

Submissions (5):

Labcorp Genetics (formerly Invitae), Labcorp
Classification: Likely benign. Last evaluated: 2025-07-03. Review status: criteria provided, single submitter. Criteria: Invitae Variant Classification Sherloc (09022015). Collection method: clinical testing. Allele origin: germline.

Women's Health and Genetics/Laboratory Corporation of America, LabCorp
Classification: Likely benign. Last evaluated: 2025-04-30. Review status: criteria provided, single submitter. Criteria: LabCorp Variant Classification Summary - May 2015. Collection method: clinical testing. Allele origin: germline.

Illumina Laboratory Services, Illumina
Classification: Benign for MYH9-related disorder. Last evaluated: 2018-01-12. Review status: criteria provided, single submitter. Criteria: ICSL Variant Classification Criteria 13 December 2019. Collection method: clinical testing. Allele origin: germline.
Comment: This variant was observed in the ICSL laboratory as part of a predisposition screen in an ostensibly healthy population. It had not been previously curated by ICSL or reported in the Human Gene Mutation Database (HGMD: prior to June 1st, 2018), and was therefore a candidate for classification through an automated scoring system. Utilizing variant allele frequency, disease prevalence and penetrance estimates, and inheritance mode, an automated score was calculated to assess if this variant is too frequent to cause the disease. Based on the score and internal cut-off values, a variant classified as benign is not then subjected to further curation. The score for this variant resulted in a classification of benign for this disease.

Illumina Laboratory Services, Illumina
Classification: Uncertain significance for Autosomal dominant nonsyndromic hearing loss 17. Last evaluated: 2018-01-12. Review status: criteria provided, single submitter. Criteria: ICSL Variant Classification Criteria 13 December 2019. Collection method: clinical testing. Allele origin: germline.

PreventionGenetics, part of Exact Sciences
Classification: Likely benign. Review status: criteria provided, single submitter. Criteria: ACMG Guidelines, 2015. Collection method: clinical testing. Allele origin: germline.